The following is an entry in ClinVar:

ClinVar aggregate classification (germline): Uncertain significance. Review status: criteria provided, multiple submitters, no conflicts (2 of 4 stars). 3 submissions from 3 submitters: Uncertain significance (2). 1 of the submissions does not count toward it. Last evaluated 2026-05-27.

Conditions:
Hereditary cancer-predisposing syndrome. Also called: Neoplastic Syndromes, Hereditary; Hereditary neoplastic syndrome; Hereditary Cancer Syndrome; Tumor predisposition. Identifiers: Orphanet 140162, MedGen C0027672, MeSH D009386, MONDO:0015356.
Prostate cancer, hereditary, 1 (HPC1). Identifiers: Orphanet 1331, MedGen C4722327, MONDO:0011098, OMIM 601518.

Allele frequency attached by ClinVar (database versions not stated): gnomAD exomes below 0.00001.

Submissions (3):

Ambry Genetics
Classification: Uncertain significance for Hereditary cancer-predisposing syndrome. Last evaluated: 2026-05-27. Review status: criteria provided, single submitter. Criteria: Ambry Variant Classification Scheme 2023. Collection method: clinical testing. Allele origin: germline.
Comment: The p.R91* variant (also known as c.271C>T), located in coding exon 1 of the HOXB13 gene, results from a C to T substitution at nucleotide position 271. This changes the amino acid from an arginine to a stop codon within coding exon 1. This variant is expected to result in protein truncation or nonsense-mediated mRNA decay. However, loss of function has not been established as a mechanism of disease. Based on the available evidence, the clinical significance of this variant remains unclear.

Labcorp Genetics (formerly Invitae), Labcorp
Classification: Uncertain significance. Last evaluated: 2024-06-09. Review status: criteria provided, single submitter. Criteria: Invitae Variant Classification Sherloc (09022015). Collection method: clinical testing. Allele origin: germline.
Comment: This sequence change creates a premature translational stop signal (p.Arg91*) in the HOXB13 gene. It is expected to result in an absent or disrupted protein product. However, the current clinical and genetic evidence is not sufficient to establish whether loss-of-function variants in HOXB13 cause disease. This variant is not present in population databases (gnomAD no frequency). This variant has not been reported in the literature in individuals affected with HOXB13-related conditions. ClinVar contains an entry for this variant (Variation ID: 690686). In summary, the available evidence is currently insufficient to determine the role of this variant in disease. Therefore, it has been classified as a Variant of Uncertain Significance.

Laboratory of Virology, Microbiology,  Quality and Medical Biotechnologies, Faculty of Sciences and Techniques - Mohammedia, Hassan II University of Casablanca
Classification: Uncertain significance for Prostate cancer, hereditary, 1. Review status: no assertion criteria provided. Collection method: clinical testing. Allele origin: somatic. Affected: yes. Not counted in ClinVar's aggregate classification.

NM_006361.6(HOXB13):c.271C>T (p.Arg91Ter)

Gene: HOXB13 (homeobox B13; minus strand). Cytogenetic location: 17q21.32.
Variant type: single nucleotide variant.
Coding change: c.271C>T on transcript NM_006361.6 (MANE Select); coding-DNA position 271, C replaced by T.
Protein change: p.Arg91Ter; replaces arginine 91 with a stop codon.
Molecular consequence: nonsense.
Genome position (GRCh38, 1-based): chr17:48,728,323, G>A on the plus strand (C>T on the coding strand, the complement: HOXB13 is on the minus strand). VCF-style: chr17-48728323-G-A. GRCh37 (hg19) VCF-style: chr17-46805685-G-A.
Other names: short protein forms R91*.
Identifiers: ClinVar variation 690686 (VCV000690686.8), dbSNP rs749195398, ClinGen allele CA400107792.